The following is an entry in ClinVar:

NM_001165963.4(SCN1A):c.3090A>G (p.Ile1030Met)

Genes: SCN1A (sodium voltage-gated channel alpha subunit 1; minus strand), LOC102724058 (uncharacterized LOC102724058; plus strand). Cytogenetic location: 2q24.3.
Variant type: single nucleotide variant.
Coding change: c.3090A>G on transcript NM_001165963.4 (MANE Select); coding-DNA position 3090, A replaced by G.
Protein change: p.Ile1030Met; replaces isoleucine 1030 with methionine.
Molecular consequence: missense variant. On other transcripts: non-coding transcript variant (2).
Genome position (GRCh38, 1-based): chr2:166,036,387, T>C on the plus strand (A>G on the coding strand, the complement: SCN1A is on the minus strand). VCF-style: chr2-166036387-T-C. GRCh37 (hg19) VCF-style: chr2-166892897-T-C.
Other names: c.3090A>G (NM_001165963.1); c.3057A>G, p.Ile1019Met (NM_006920.6, NM_001353949.2, NM_001353950.2 and 2 more transcripts); c.3006A>G, p.Ile1002Met (NM_001165964.3, NM_001353957.2, NM_001353958.2); c.3090A>G, p.Ile1030Met (NM_001202435.3, NM_001353948.2); c.3054A>G, p.Ile1018Met (NM_001353954.2, NM_001353955.2); c.3003A>G, p.Ile1001Met (NM_001353960.2); c.648A>G, p.Ile216Met (NM_001353961.2); short protein forms I1001M, I1018M, I1030M, I1019M, I216M, I1002M.
Identifiers: ClinVar variation 2010030 (VCV002010030.5), dbSNP rs1696376896, ClinGen allele CA349060047.
Genomic context (GRCh38, chr2:166,036,387, plus strand): 5'-TGGTTTAATTTCATCTAAAATCTTTTGTTTCCTAATGAAGGACTGTTGAATAAATTCATA[T>C]ATTTTTCTTTTCACATAAGCTACTCCTTTGTGCATCCTATCCACAGCAATTTGGAGATTA-3'
Protein context (NP_001159435.1, residues 1020-1040): HKGVAYVKRK[Ile1030Met]YEFIQQSFIR

ClinVar aggregate classification (germline): Uncertain significance. Review status: criteria provided, multiple submitters, no conflicts (2 of 4 stars). 2 submissions from 2 submitters: Uncertain significance (2). Last evaluated 2026-05-06.

Conditions:
Early-infantile DEE. Also called: Early infantile epileptic encephalopathy; Ohtahara syndrome; Early infantile epileptic encephalopathy with suppression bursts. Identifiers: Orphanet 1934, MedGen C0393706, MONDO:0800491.
Inborn genetic diseases. Identifiers: MedGen C0950123, MeSH D030342.

Allele frequency attached by ClinVar (database versions not stated): gnomAD exomes below 0.00001; TOPMed below 0.00001.
gnomAD v4.1: 1 of 1,599,470 alleles (0.000063%); highest among the groups gnomAD compares: South Asian, 0.0011%; no homozygotes.

Submissions (2):

Ambry Genetics
Classification: Uncertain significance for Inborn genetic diseases. Last evaluated: 2026-05-06. Review status: criteria provided, single submitter. Criteria: Ambry Variant Classification Scheme 2023. Collection method: clinical testing. Allele origin: germline.

Labcorp Genetics (formerly Invitae), Labcorp
Classification: Uncertain significance for Early-infantile DEE. Last evaluated: 2022-08-23. Review status: criteria provided, single submitter. Criteria: Invitae Variant Classification Sherloc (09022015). Collection method: clinical testing. Allele origin: germline.
Comment: In summary, the available evidence is currently insufficient to determine the role of this variant in disease. Therefore, it has been classified as a Variant of Uncertain Significance. This variant has not been reported in the literature in individuals affected with SCN1A-related conditions. Advanced modeling of protein sequence and biophysical properties (such as structural, functional, and spatial information, amino acid conservation, physicochemical variation, residue mobility, and thermodynamic stability) performed at Invitae indicates that this missense variant is not expected to disrupt SCN1A protein function. This sequence change replaces isoleucine, which is neutral and non-polar, with methionine, which is neutral and non-polar, at codon 1030 of the SCN1A protein (p.Ile1030Met). This variant is not present in population databases (gnomAD no frequency).